The following is an entry in ClinVar:

ClinVar aggregate classification (germline): Uncertain significance. Review status: criteria provided, multiple submitters, no conflicts (2 of 4 stars). 3 submissions from 3 submitters: Uncertain significance (3). Last evaluated 2026-08-06.

Conditions:
Wiedemann-Steiner syndrome (WDSTS). Also called: Growth deficiency and mental retardation with facial dysmorphism. Identifiers: Orphanet 319182, MedGen C1854630, MONDO:0011518, OMIM 605130.

Allele frequency attached by ClinVar (database versions not stated): gnomAD exomes below 0.00001 and 0.00001; gnomAD 0.00001; TOPMed 0.00001.
gnomAD v4.1: 6 of 1,613,196 alleles (0.00037%); highest among the groups gnomAD compares: Admixed American, 0.005%; no homozygotes.

Submissions (3):

OLLIN Analises Genomicas, OLLIN
Classification: Uncertain significance for Wiedemann-Steiner syndrome. Last evaluated: 2026-08-06. Review status: criteria provided, single submitter. Criteria: ACMG Guidelines 2015 PMID 25741868. Collection method: clinical testing. Allele origin: germline. Inheritance: Autosomal dominant inheritance.
Comment: This missense variant, located in exon 22 (of 36), has been reported in ClinVar (accession VCV001503225.11) and in gnomAD with an allele frequency of 0.00037%. However, to our knowledge, it has not been reported in the scientific literature. In silico analysis is inconclusive regarding the impact of this variant. This gene is constrained for missense variation. According to the currently available evidence, this variant has been classified as uncertain significance (PP2, BS2).

CeGaT Center for Human Genetics Tuebingen
Classification: Uncertain significance. Last evaluated: 2026-01-01. Review status: criteria provided, single submitter. Criteria: CeGaT Center For Human Genetics Tuebingen Variant Classification Criteria Version 2. Collection method: clinical testing. Allele origin: germline. Affected: yes. Observed: 1 variant allele.
Comment: KMT2A: PP2

Labcorp Genetics (formerly Invitae), Labcorp
Classification: Uncertain significance. Last evaluated: 2025-08-31. Review status: criteria provided, single submitter. Criteria: Invitae Variant Classification Sherloc (09022015). Collection method: clinical testing. Allele origin: germline.
Comment: This sequence change replaces asparagine, which is neutral and polar, with lysine, which is basic and polar, at codon 1966 of the KMT2A protein (p.Asn1966Lys). This variant is present in population databases (no rsID available, gnomAD 0.003%). This variant has not been reported in the literature in individuals affected with KMT2A-related conditions. ClinVar contains an entry for this variant (Variation ID: 1503225). Invitae Evidence Modeling of protein sequence and biophysical properties (such as structural, functional, and spatial information, amino acid conservation, physicochemical variation, residue mobility, and thermodynamic stability) indicates that this missense variant is not expected to disrupt KMT2A protein function with a negative predictive value of 95%. In summary, the available evidence is currently insufficient to determine the role of this variant in disease. Therefore, it has been classified as a Variant of Uncertain Significance.

NM_001197104.2(KMT2A):c.5898C>A (p.Asn1966Lys)

Gene: KMT2A (lysine methyltransferase 2A; plus strand). Cytogenetic location: 11q23.3.
Variant type: single nucleotide variant.
Coding change: c.5898C>A on transcript NM_001197104.2 (MANE Select); coding-DNA position 5898, C replaced by A.
Protein change: p.Asn1966Lys; replaces asparagine 1966 with lysine.
Molecular consequence: missense variant.
Genome position (GRCh38, 1-based): chr11:118,498,465, C>A. VCF-style: chr11-118498465-C-A. GRCh37 (hg19) VCF-style: chr11-118369180-C-A.
Other names: c.5889C>A, p.Asn1963Lys (NM_005933.4); short protein forms N1966K, N1963K.
Identifiers: ClinVar variation 1503225 (VCV001503225.13), dbSNP rs1555044736, ClinGen allele CA382798863.
Genomic context (GRCh38, chr11:118,498,465, plus strand): 5'-GGGTTGCTGTCTCACATCCTGCACCAGCAACTATCACTTCATGTGTTCCCGAGCCAAGAA[C>A]TGTGTCTTTCTGGATGATAAAAAAGTATATTGCCAACGACATCGGGATTTGATCAAAGGC-3'
Protein context (NP_001184033.1, residues 1956-1976): NYHFMCSRAK[Asn1966Lys]CVFLDDKKVY